The following is an entry in ClinVar:

ClinVar aggregate classification (germline): Uncertain significance (1 of 4 stars; one submission).

Allele frequency attached by ClinVar (database versions not stated): TOPMed below 0.00001.

Submission:

Labcorp Genetics (formerly Invitae), Labcorp
Classification: Uncertain significance. Last evaluated: 2022-01-14. Review status: criteria provided, single submitter. Criteria: Invitae Variant Classification Sherloc (09022015). Collection method: clinical testing. Allele origin: germline.
Comment: In summary, the available evidence is currently insufficient to determine the role of this variant in disease. Therefore, it has been classified as a Variant of Uncertain Significance. Algorithms developed to predict the effect of missense changes on protein structure and function are either unavailable or do not agree on the potential impact of this missense change (SIFT: "Tolerated"; PolyPhen-2: "Probably Damaging"; Align-GVGD: "Class C0"). This variant has not been reported in the literature in individuals affected with ORC4-related conditions. This variant is not present in population databases (gnomAD no frequency). This sequence change replaces phenylalanine, which is neutral and non-polar, with leucine, which is neutral and non-polar, at codon 138 of the ORC4 protein (p.Phe138Leu).

NM_181741.4(ORC4):c.412T>C (p.Phe138Leu)

Gene: ORC4 (origin recognition complex subunit 4; minus strand). Cytogenetic location: 2q23.1.
Variant type: single nucleotide variant.
Coding change: c.412T>C on transcript NM_181741.4 (MANE Select); coding-DNA position 412, T replaced by C.
Protein change: p.Phe138Leu; replaces phenylalanine 138 with leucine.
Molecular consequence: missense variant.
Genome position (GRCh38, 1-based): chr2:147,955,371, A>G on the plus strand (T>C on the coding strand, the complement: ORC4 is on the minus strand). VCF-style: chr2-147955371-A-G. GRCh37 (hg19) VCF-style: chr2-148712940-A-G.
Other names: c.412T>C, p.Phe138Leu (NM_001374270.1, NM_002552.5, NM_181742.5 and 1 more transcripts); c.160T>C, p.Phe54Leu (NM_001374272.1, NM_001190881.3); c.190T>C, p.Phe64Leu (NM_001190882.3); short protein forms F54L, F64L, F138L.
Identifiers: ClinVar variation 1350470 (VCV001350470.8), dbSNP rs1266895677, ClinGen allele CA348714100.